The following is an entry in ClinVar:

NM_001166114.2(PNPLA6):c.1946+2T>G

Gene: PNPLA6 (patatin like domain 6, lysophospholipase; plus strand). Cytogenetic location: 19p13.2.
Variant type: single nucleotide variant.
Coding change: c.1946+2T>G on transcript NM_001166114.2 (MANE Select); the canonical splice donor site of the intron after coding-DNA position 1946, T replaced by G.
Molecular consequence: splice donor variant.
Genome position (GRCh38, 1-based): chr19:7,550,431, T>G. VCF-style: chr19-7550431-T-G. GRCh37 (hg19) VCF-style: chr19-7615317-T-G.
Other names: c.1829+2T>G (NM_006702.5, NM_001166113.1); c.1751+2T>G (NM_001166112.2); c.1973+2T>G (NM_001166111.2).
Identifiers: ClinVar variation 2736767 (VCV002736767.3), dbSNP rs774029027, ClinGen allele CA403123047.

ClinVar aggregate classification (germline): Likely pathogenic (1 of 4 stars; one submission).

Conditions:
Hereditary spastic paraplegia 39 (SPG39). Also called: Spastic Paraplegia Type 39 (SPG39); SPASTIC PARAPLEGIA 39, AUTOSOMAL RECESSIVE. Identifiers: Orphanet 139480, MedGen C2677586, MONDO:0012787, OMIM 612020.

gnomAD v4.1: 2 of 1,611,364 alleles (0.00012%); highest among the groups gnomAD compares: South Asian, 0.0011%; no homozygotes.

Submission:

Labcorp Genetics (formerly Invitae), Labcorp
Classification: Likely pathogenic for Hereditary spastic paraplegia 39. Last evaluated: 2023-10-04. Review status: criteria provided, single submitter. Criteria: Invitae Variant Classification Sherloc (09022015). Collection method: clinical testing. Allele origin: germline.
Comment: This sequence change affects a donor splice site in intron 18 of the PNPLA6 gene. It is expected to disrupt RNA splicing. Variants that disrupt the donor or acceptor splice site typically lead to a loss of protein function (PMID: 16199547), and loss-of-function variants in PNPLA6 are known to be pathogenic (PMID: 24355708). This variant is not present in population databases (gnomAD no frequency). Disruption of this splice site has been observed in individual(s) with PNPLA6-related condition (PMID: 25480986). Algorithms developed to predict the effect of sequence changes on RNA splicing suggest that this variant may disrupt the consensus splice site. In summary, the currently available evidence indicates that the variant is pathogenic, but additional data are needed to prove that conclusively. Therefore, this variant has been classified as Likely Pathogenic.

Literature cited by the submitters: PubMed 16199547; PubMed 24355708; PubMed 25480986.